The following is an entry in ClinVar:

ClinVar aggregate classification (germline): Uncertain significance (1 of 4 stars; one submission).

Submission:

Labcorp Genetics (formerly Invitae), Labcorp
Classification: Uncertain significance. Last evaluated: 2022-02-10. Review status: criteria provided, single submitter. Criteria: Invitae Variant Classification Sherloc (09022015). Collection method: clinical testing. Allele origin: germline.
Comment: Algorithms developed to predict the effect of sequence changes on RNA splicing suggest that this variant may create or strengthen a splice site. In summary, the available evidence is currently insufficient to determine the role of this variant in disease. Therefore, it has been classified as a Variant of Uncertain Significance. Algorithms developed to predict the effect of missense changes on protein structure and function are either unavailable or do not agree on the potential impact of this missense change (SIFT: "Deleterious"; PolyPhen-2: "Benign"; Align-GVGD: "Class C0"). This variant has not been reported in the literature in individuals affected with ADGRV1-related conditions. This variant is not present in population databases (gnomAD no frequency). This sequence change replaces serine, which is neutral and polar, with glycine, which is neutral and non-polar, at codon 1883 of the ADGRV1 protein (p.Ser1883Gly).

NM_032119.4(ADGRV1):c.5647A>G (p.Ser1883Gly)

Gene: ADGRV1 (adhesion G protein-coupled receptor V1; plus strand). Cytogenetic location: 5q14.3.
Variant type: single nucleotide variant.
Coding change: c.5647A>G on transcript NM_032119.4 (MANE Select); coding-DNA position 5647, A replaced by G.
Protein change: p.Ser1883Gly; replaces serine 1883 with glycine.
Molecular consequence: missense variant. On other transcripts: non-coding transcript variant (1).
Genome position (GRCh38, 1-based): chr5:90,681,437, A>G. VCF-style: chr5-90681437-A-G. GRCh37 (hg19) VCF-style: chr5-89977254-A-G.
Other names: short protein forms S1883G.
Identifiers: ClinVar variation 1445763 (VCV001445763.8), dbSNP rs1744919101, ClinGen allele CA360412617.